The following is an entry in ClinVar:

ClinVar aggregate classification (germline): Uncertain significance (1 of 4 stars; one submission).

Conditions:
Familial thoracic aortic aneurysm and aortic dissection (TAAD). Also called: Thoracic aortic aneurysms and dissections. Identifiers: Orphanet 91387, MedGen C4707243, MONDO:0019625.

gnomAD v4.1: 13 of 1,614,162 alleles (0.00081%); highest among the groups gnomAD compares: Non-Finnish European, 0.0011%; no homozygotes.

Submission:

Labcorp Genetics (formerly Invitae), Labcorp
Classification: Uncertain significance for Familial thoracic aortic aneurysm and aortic dissection. Last evaluated: 2025-11-12. Review status: criteria provided, single submitter. Criteria: Invitae Variant Classification Sherloc (09022015). Collection method: clinical testing. Allele origin: germline.
Comment: This sequence change replaces glutamic acid, which is acidic and polar, with aspartic acid, which is acidic and polar, at codon 542 of the TGFBR2 protein (p.Glu542Asp). This variant is present in population databases (no rsID available, gnomAD 0.0009%). This variant has not been reported in the literature in individuals affected with TGFBR2-related conditions. Invitae Evidence Modeling of protein sequence and biophysical properties (such as structural, functional, and spatial information, amino acid conservation, physicochemical variation, residue mobility, and thermodynamic stability) indicates that this missense variant is not expected to disrupt TGFBR2 protein function with a negative predictive value of 95%. In summary, the available evidence is currently insufficient to determine the role of this variant in disease. Therefore, it has been classified as a Variant of Uncertain Significance.

NM_003242.6(TGFBR2):c.1626G>T (p.Glu542Asp)

Gene: TGFBR2 (transforming growth factor beta receptor 2; plus strand). Cytogenetic location: 3p24.1.
Variant type: single nucleotide variant.
Coding change: c.1626G>T on transcript NM_003242.6 (MANE Select); coding-DNA position 1626, G replaced by T.
Protein change: p.Glu542Asp; replaces glutamic acid 542 with aspartic acid.
Molecular consequence: missense variant.
Genome position (GRCh38, 1-based): chr3:30,691,521, G>T. VCF-style: chr3-30691521-G-T. GRCh37 (hg19) VCF-style: chr3-30733013-G-T.
Other names: c.1701G>T, p.Glu567Asp (NM_001024847.3); c.1809G>T, p.Glu603Asp (NM_001407126.1); c.1734G>T, p.Glu578Asp (NM_001407127.1); c.1653G>T, p.Glu551Asp (NM_001407128.1); c.1629G>T, p.Glu543Asp (NM_001407129.1); c.1623G>T, p.Glu541Asp (NM_001407130.1); c.1521G>T, p.Glu507Asp (NM_001407132.1, NM_001407133.1, NM_001407134.1 and 2 more transcripts); c.1341G>T, p.Glu447Asp (NM_001407137.1); and 2 more; short protein forms E447D, E507D, E551D, E603D, E422D, E542D, E252D, E541D.
Identifiers: ClinVar variation 4704247 (VCV004704247.1).